The following is an entry in ClinVar:

ClinVar aggregate classification (germline): Likely benign. Review status: criteria provided, multiple submitters, no conflicts (2 of 4 stars). 2 submissions from 2 submitters: Likely benign (2). Last evaluated 2018-06-14.

Allele frequency attached by ClinVar (database versions not stated): 1000 Genomes Project 0.00399; 1000 Genomes Project 30x 0.00406; TOPMed 0.00897; gnomAD 0.00976; gnomAD exomes 0.01285.
gnomAD v4.1: 17,383 of 1,402,364 alleles (1.2%); highest among the groups gnomAD compares: Middle Eastern, 1.6%; 182 homozygotes.

Submissions (2):

GeneDx
Classification: Likely benign. Last evaluated: 2018-06-14. Review status: criteria provided, single submitter. Criteria: GeneDx Variant Classification (06012015). Collection method: clinical testing. Allele origin: germline. Affected: yes.
Comment: This variant is considered likely benign or benign based on one or more of the following criteria: it is a conservative change, it occurs at a poorly conserved position in the protein, it is predicted to be benign by multiple in silico algorithms, and/or has population frequency not consistent with disease.

Breakthrough Genomics
Classification: Likely benign. Review status: criteria provided, single submitter. Criteria: ACMG Guidelines, 2015. Collection method: not provided. Allele origin: germline. Inheritance: Autosomal dominant inheritance. Affected: yes.

NM_000744.7(CHRNA4):c.77-102G>C

Gene: CHRNA4 (cholinergic receptor nicotinic alpha 4 subunit; minus strand). Cytogenetic location: 20q13.33.
Variant type: single nucleotide variant.
Coding change: c.77-102G>C on transcript NM_000744.7 (MANE Select); 102 bases into the intron before coding-DNA position 77, G replaced by C.
Molecular consequence: intron variant.
Genome position (GRCh38, 1-based): chr20:63,359,801, C>G on the plus strand (G>C on the coding strand, the complement: CHRNA4 is on the minus strand). VCF-style: chr20-63359801-C-G. GRCh37 (hg19) VCF-style: chr20-61991153-C-G.
Other names: c.-470-102G>C (NM_001256573.2).
Identifiers: ClinVar variation 675183 (VCV000675183.2), dbSNP rs140380399, ClinGen allele CA317446234.
Genomic context (GRCh38, chr20:63,359,801, plus strand): 5'-CAGGAGCCGGGAGCTGTCCAGGAGCTCTCCAGGCTGCCCCAGCCCCCTGCCCAGCACGTC[C>G]ACTTCCTTTCAGCTCCTCACATGAGCCCTTCCCACCCCAGGACCTGTGTGTGTGCCGGGC-3'